The following is an entry in ClinVar:

ClinVar aggregate classification (germline): Benign. Review status: criteria provided, multiple submitters, no conflicts (2 of 4 stars). 4 submissions from 4 submitters: Benign (3). 1 of the submissions does not count toward it. Last evaluated 2026-01-30.

Conditions:
DMXL2-related disorder. Also called: DMXL2-related condition.

Allele frequency attached by ClinVar (database versions not stated): gnomAD exomes 0.00255; ExAC 0.00300; 1000 Genomes Project 0.00819; 1000 Genomes Project 30x 0.00874; gnomAD 0.00963 and 0.01029; ESP Exome Variant Server 0.01025; TOPMed 0.01051.
gnomAD v4.1: 2,786 of 1,613,624 alleles (0.17%); highest among the groups gnomAD compares: African/African-American, 3.3%; 30 homozygotes.

Submissions (4):

Labcorp Genetics (formerly Invitae), Labcorp
Classification: Benign. Last evaluated: 2026-01-30. Review status: criteria provided, single submitter. Criteria: Invitae Variant Classification Sherloc (09022015). Collection method: clinical testing. Allele origin: germline.

Mayo Clinic Laboratories, Mayo Clinic
Classification: Benign. Last evaluated: 2023-04-14. Review status: criteria provided, single submitter. Criteria: ACMG Guidelines, 2015. Collection method: clinical testing. Allele origin: germline. Observed: 4 variant alleles.
Comment: BS1, BS2, BP4, BP7

Breakthrough Genomics
Classification: Benign. Review status: criteria provided, single submitter. Criteria: ACMG Guidelines, 2015. Collection method: not provided. Allele origin: germline. Inheritance: Autosomal recessive inheritance. Affected: yes.

PreventionGenetics, part of Exact Sciences
Classification: Benign for DMXL2-related condition. Last evaluated: 2019-12-06. Review status: no assertion criteria provided. Collection method: clinical testing. Allele origin: germline. Not counted in ClinVar's aggregate classification.
Comment: This variant is classified as benign based on ACMG/AMP sequence variant interpretation guidelines (Richards et al. 2015 PMID: 25741868, with internal and published modifications).

NM_001378457.1(DMXL2):c.1008C>T (p.Pro336=)

Gene: DMXL2 (Dmx like 2; minus strand). Cytogenetic location: 15q21.2.
Variant type: single nucleotide variant.
Coding change: c.1008C>T on transcript NM_001378457.1 (MANE Select); coding-DNA position 1008, C replaced by T.
Protein change: p.Pro336=; no amino-acid change (proline 336 retained).
Molecular consequence: synonymous variant. On other transcripts: non-coding transcript variant (2).
Genome position (GRCh38, 1-based): chr15:51,542,430, G>A on the plus strand (C>T on the coding strand, the complement: DMXL2 is on the minus strand). VCF-style: chr15-51542430-G-A. GRCh37 (hg19) VCF-style: chr15-51834627-G-A.
Other names: p.Pro336=; c.1008C>T (NM_001174116.2); c.1008C>T, p.Pro336= (NM_001174116.3, NM_001174117.3, NM_001378458.1 and 7 more transcripts).
Identifiers: ClinVar variation 711155 (VCV000711155.14), dbSNP rs139211716, ClinGen allele CA7562690.
Genomic context (GRCh38, chr15:51,542,430, plus strand): 5'-ACAGAGTGCATTTGCATGGTGGGAAATGTGTCTTTGAACTTCATGCATTGCTGTCTGGTC[G>A]GGCATTAATTCAGCATGAGTTACAAGAACAGATGACCTCCTCTGTCCTTTCCTTAAATTT-3'
Protein context (NP_001365386.1, residues 326-346): SVLVTHAELM[Pro336=]DQTAMHEVQR